The following is an entry in ClinVar:

ClinVar aggregate classification (germline): Uncertain significance (1 of 4 stars; one submission).

Allele frequency attached by ClinVar (database versions not stated): TOPMed below 0.00001.

Submission:

Labcorp Genetics (formerly Invitae), Labcorp
Classification: Uncertain significance. Last evaluated: 2022-04-12. Review status: criteria provided, single submitter. Criteria: Invitae Variant Classification Sherloc (09022015). Collection method: clinical testing. Allele origin: germline.
Comment: This sequence change replaces glycine, which is neutral and non-polar, with serine, which is neutral and polar, at codon 84 of the ARIH1 protein (p.Gly84Ser). This variant is not present in population databases (gnomAD no frequency). This variant has not been reported in the literature in individuals affected with ARIH1-related conditions. Algorithms developed to predict the effect of missense changes on protein structure and function are either unavailable or do not agree on the potential impact of this missense change (SIFT: "Tolerated"; PolyPhen-2: "Not Available"; Align-GVGD: "Class C0"). In summary, the available evidence is currently insufficient to determine the role of this variant in disease. Therefore, it has been classified as a Variant of Uncertain Significance.

NM_005744.5(ARIH1):c.250G>A (p.Gly84Ser)

Gene: ARIH1 (ariadne RBR E3 ubiquitin protein ligase 1; plus strand). Cytogenetic location: 15q24.1.
Variant type: single nucleotide variant.
Coding change: c.250G>A on transcript NM_005744.5 (MANE Select); coding-DNA position 250, G replaced by A.
Protein change: p.Gly84Ser; replaces glycine 84 with serine.
Molecular consequence: missense variant.
Genome position (GRCh38, 1-based): chr15:72,474,889, G>A. VCF-style: chr15-72474889-G-A. GRCh37 (hg19) VCF-style: chr15-72767230-G-A.
Other names: short protein forms G84S.
Identifiers: ClinVar variation 2183151 (VCV002183151.4), dbSNP rs12902861, ClinGen allele CA393237060.
Genomic context (GRCh38, chr15:72,474,889, plus strand): 5'-GGGGAGACGGGCGGTGGCGGCGGCAGCGCTCTGGGGCCCGGCGGTGGCGGCGGCGGCGGC[G>A]GCGGCGGTGGTGGTGGCGGGCCGGGGCATGAGCAGGAGGAGGATTACCGCTACGAGGTGC-3'
Protein context (NP_005735.2, residues 74-94): LGPGGGGGGG[Gly84Ser]GGGGGGPGHE